The following is an entry in ClinVar:

ClinVar aggregate classification (germline): Conflicting classifications of pathogenicity. Review status: criteria provided, conflicting classifications (1 of 4 stars). 19 submissions from 19 submitters: Uncertain significance (4); Benign (3); Likely benign (6). 6 of the submissions do not count toward it. Last evaluated 2026-08-01.

Conditions:
Connective tissue disorder. Also called: Connective tissue disease. Identifiers: MedGen C0009782, MONDO:0003900.
Congenital heart defects, multiple types. Identifiers: MedGen CN377732, MONDO:0000119.
Adams-Oliver syndrome (AOS). Identifiers: Orphanet 974, MedGen C0265268, MONDO:0007034.
Adams-Oliver syndrome 5 (AOS5). Identifiers: Orphanet 974, MedGen C4014970, MONDO:0014459, OMIM 616028.
Aortic valve disease 1 (AOVD1). Identifiers: MedGen C3887892, MONDO:0024523, OMIM 109730.
Familial thoracic aortic aneurysm and aortic dissection (TAAD). Also called: Thoracic aortic aneurysms and dissections. Identifiers: Orphanet 91387, MedGen C4707243, MONDO:0019625.

Allele frequency attached by ClinVar (database versions not stated): 1000 Genomes Project 0.00040; 1000 Genomes Project 30x 0.00078; gnomAD exomes 0.00170 and 0.00267; ExAC 0.00195; TOPMed 0.00215; gnomAD 0.00221 and 0.00223; ESP Exome Variant Server 0.00234.
gnomAD v4.1: 4,190 of 1,605,840 alleles (0.26%); highest among the groups gnomAD compares: Non-Finnish European, 0.31%; 8 homozygotes.

Submissions (19):

CeGaT Center for Human Genetics Tuebingen
Classification: Benign. Last evaluated: 2026-08-01. Review status: criteria provided, single submitter. Criteria: CeGaT Center For Human Genetics Tuebingen Variant Classification Criteria Version 2. Collection method: clinical testing. Allele origin: germline. Affected: yes. Observed: 11 variant alleles.
Comment: NOTCH1: PP2, BS1, BS2

Labcorp Genetics (formerly Invitae), Labcorp
Classification: Likely benign for Adams-Oliver syndrome 5. Last evaluated: 2026-02-02. Review status: criteria provided, single submitter. Criteria: Invitae Variant Classification Sherloc (09022015). Collection method: clinical testing. Allele origin: germline.

Mayo Clinic Laboratories, Mayo Clinic
Classification: Likely benign. Last evaluated: 2025-11-07. Review status: criteria provided, single submitter. Criteria: ACMG Guidelines, 2015. Collection method: clinical testing. Allele origin: germline. Observed: 6 variant alleles.
Comment: BS1, PP2

Blueprint Genetics
Classification: Likely benign. Last evaluated: 2024-11-19. Review status: criteria provided, single submitter. Criteria: ACMG Guidelines, 2015. Collection method: clinical testing. Allele origin: germline.

ARUP Laboratories, Molecular Genetics and Genomics, ARUP Laboratories
Classification: Uncertain significance. Last evaluated: 2023-10-19. Review status: criteria provided, single submitter. Criteria: ARUP Molecular Germline Variant Investigation Process 2024. Collection method: clinical testing. Allele origin: germline.
Comment: The NOTCH1 c.2734C>T; p.Arg912Trp variant (rs201620358) is reported in the literature in individuals with aortic valve stenosis, aortic root aneurysm, bicuspid aortic valve, or coarctation of the aorta (Kerstjens-Frederikse 2016, Ziganshin 2015). Incomplete penetrance and variable expressivity are reported for NOTCH1 (Roifman 2021). This variant is also reported in ClinVar (Variation ID: 134921). This variant is found in the general population with an overall allele frequency of 0.18% (469/263284 alleles, including one homozygote) in the Genome Aggregation Database. Computational analyses are uncertain whether this variant is neutral or deleterious (REVEL: 0.402). Based on the available information, the clinical significance of this variant is uncertain. References: Kerstjens-Frederikse WS et al. Cardiovascular malformations caused by NOTCH1 mutations do not keep left: data on 428 probands with left-sided CHD and their families. Genet Med. 2016 Sep;18(9):914-23. PMID: 26820064. Roifman M et al. Heterozygous NOTCH1 deletion associated with variable congenital heart defects. Clin Genet. 2021 Jun;99(6):836-841. PMID: 33630301. Ziganshin BA et al. Routine Genetic Testing for Thoracic Aortic Aneurysm and Dissection in a Clinical Setting. Ann Thorac Surg. 2015 Nov;100(5):1604-11. PMID: 26188975.

Women's Health and Genetics/Laboratory Corporation of America, LabCorp
Classification: Likely benign. Last evaluated: 2023-04-04. Review status: criteria provided, single submitter. Criteria: LabCorp Variant Classification Summary - May 2015. Collection method: clinical testing. Allele origin: germline.

CHEO Genetics Diagnostic Laboratory, Children's Hospital of Eastern Ontario
Classification: Benign for Familial thoracic aortic aneurysm and aortic dissection. Last evaluated: 2020-01-27. Review status: criteria provided, single submitter. Criteria: ACMG Guidelines, 2015. Collection method: clinical testing. Allele origin: germline. Study: Canadian Open Genetics Repository.

Ambry Genetics
Classification: Likely benign for Familial thoracic aortic aneurysm and aortic dissection. Last evaluated: 2019-03-08. Review status: criteria provided, single submitter. Criteria: Ambry Variant Classification Scheme 2023. Collection method: clinical testing. Allele origin: germline.

GeneDx
Classification: Uncertain significance. Last evaluated: 2017-04-21. Review status: criteria provided, single submitter. Criteria: GeneDx Variant Classification (06012015). Collection method: clinical testing. Allele origin: germline. Affected: yes.
Comment: This variant has also been reported in 5 unrelated Dutch individuals with left-sided congenital heart defects; one individual with a bicuspid aortic valve, one individual with aortic valve stenosis, and three individuals with coarctation of the aorta (Kerstjens-Frederikse et al., 2016). For one of the individuals with coarctation of the aorta, this variant was also found in the father who had a bicuspid aortic valve; segregation studies for the remaining four individuals were either not completed or non-informative (Kerstjens-Frederikse et al., 2016). R912W was observed in approximately 0.3% of alleles from individuals of European (Non-Finnish) ancestry and 0.2% of alleles from individuals of both Latino and European (Finnish) ancestry in the Exome Aggregation Consortium, indicating it may be a rare benign variant in these populations (Lek et al., 2016). Furthermore, this substitution occurs at a position that is not conserved across species. Nevertheless, R912W variant is a non-conservative amino acid substitution, which is likely to impact secondary protein structure as these residues differ in polarity, charge, size and/or other properties. In silico analysis predicts this variant is probably damaging to the protein structure/function.

Eurofins Ntd Llc (ga)
Classification: Uncertain significance. Last evaluated: 2017-01-04. Review status: criteria provided, single submitter. Criteria: EGL Classification Definitions 2015. Collection method: clinical testing. Allele origin: germline. Observed: 1 variant allele, 1 heterozygote.

Center for Human Genetics, Inc
Classification: Likely benign for Connective tissue disorder. Last evaluated: 2016-11-01. Review status: criteria provided, single submitter. Criteria: ACMG Guidelines, 2015. Collection method: clinical testing. Allele origin: germline. Affected: yes.

Knight Diagnostic Laboratories, Oregon Health and Sciences University
Classification: Benign. Last evaluated: 2016-07-29. Review status: criteria provided, single submitter. Criteria: ACMG Guidelines, 2015. Collection method: clinical testing. Allele origin: germline. Observed: 1 variant allele.

Center for Genomics, Ann and Robert H. Lurie Children's Hospital of Chicago
Classification: Uncertain significance for Adams-Oliver syndrome 5; Aortic valve disease 1. Review status: criteria provided, single submitter. Criteria: ACMG Guidelines, 2015. Collection method: clinical testing. Allele origin: germline.
Comment: NOTCH1 NM_017617.5 exon 17 p.Arg912Trp (c.2734C>T): This variant has been reported in the literature in one individual with an aortic aneurysm and in five individuals with nonsyndromic congenital heart disease (bicuspid aortic valve, coarctation of the aorta, aortic valve stenosis) (Ziganshin 2015 PMID:26188975, Kerstijens-Frederikse 2016 PMID:26820064). However, this variant is also present in 0.2% (317/119414) of European alleles in the Genome Aggregation Database, including one homozygote. This variant is present in ClinVar (Variation ID:134921). Evolutionary conservation and computational predictive tools for this variant are unclear. In summary, data on this variant is insufficient for disease classification. Therefore, the clinical significance of this variant is uncertain.

ITMI
No classification provided. Condition: AllHighlyPenetrant. Last evaluated: 2013-09-19. Review status: no classification provided. Collection method: reference population. Allele origin: germline. Not counted in ClinVar's aggregate classification.
Comment: Please see associated publication for description of ethnicities

Clinical Genetics DNA and cytogenetics Diagnostics Lab, Erasmus MC, Erasmus Medical Center
Classification: Likely benign. Review status: no assertion criteria provided. Collection method: clinical testing. Allele origin: germline. Affected: yes. Study: VKGL Data-share Consensus. Not counted in ClinVar's aggregate classification.

Diagnostic Laboratory, Department of Genetics, University Medical Center Groningen
Classification: Likely benign for Aortic valve disease 1. Review status: no assertion criteria provided. Collection method: clinical testing. Allele origin: germline. Affected: yes. Study: VKGL Data-share Consensus. Not counted in ClinVar's aggregate classification.

Genome Diagnostics Laboratory, Amsterdam University Medical Center
Classification: Benign. Review status: no assertion criteria provided. Collection method: clinical testing. Allele origin: germline. Affected: yes. Study: VKGL Data-share Consensus. Not counted in ClinVar's aggregate classification.

Genome Diagnostics Laboratory, University Medical Center Utrecht
Classification: Likely benign. Review status: no assertion criteria provided. Collection method: clinical testing. Allele origin: germline. Affected: yes. Study: VKGL Data-share Consensus. Not counted in ClinVar's aggregate classification.

Joint Genome Diagnostic Labs from Nijmegen and Maastricht, Radboudumc and MUMC+
Classification: Likely benign. Review status: no assertion criteria provided. Collection method: clinical testing. Allele origin: germline. Affected: yes. Study: VKGL Data-share Consensus. Not counted in ClinVar's aggregate classification.

Literature cited by the submitters: PubMed 32222824 (cited by Mayo Clinic Laboratories, Mayo Clinic); PubMed 32748548 (cited by Mayo Clinic Laboratories, Mayo Clinic); PubMed 33247628 (cited by Mayo Clinic Laboratories, Mayo Clinic); PubMed 24728327 (cited by Ambry Genetics and ITMI); PubMed 25587027 (cited by Ambry Genetics); PubMed 26188975 (cited by Ambry Genetics); PubMed 26820064 (cited by Ambry Genetics).

NM_017617.5(NOTCH1):c.2734C>T (p.Arg912Trp)

Gene: NOTCH1 (notch receptor 1; minus strand). Cytogenetic location: 9q34.3.
Variant type: single nucleotide variant.
Coding change: c.2734C>T on transcript NM_017617.5 (MANE Select); coding-DNA position 2734, C replaced by T.
Protein change: p.Arg912Trp; replaces arginine 912 with tryptophan.
Molecular consequence: missense variant.
Genome position (GRCh38, 1-based): chr9:136,510,659, G>A on the plus strand (C>T on the coding strand, the complement: NOTCH1 is on the minus strand). VCF-style: chr9-136510659-G-A. GRCh37 (hg19) VCF-style: chr9-139405111-G-A.
Other names: c.2734C>T, p.Arg912Trp (LRG_1122t1); c.2734C>T (NM_017617.4); short protein forms R912W.
Identifiers: ClinVar variation 134921 (VCV000134921.63), dbSNP rs201620358, ClinGen allele CA161169.